The following is an entry in ClinVar:

ClinVar aggregate classification (germline): Uncertain significance. Review status: criteria provided, multiple submitters, no conflicts (2 of 4 stars). 2 submissions from 2 submitters: Uncertain significance (2). Last evaluated 2025-05-12.

Conditions:
Hereditary cancer-predisposing syndrome. Also called: Neoplastic Syndromes, Hereditary; Hereditary Cancer Syndrome; Tumor predisposition; Hereditary neoplastic syndrome. Identifiers: Orphanet 140162, MedGen C0027672, MeSH D009386, MONDO:0015356.
Familial adenomatous polyposis 1 (FAP1). Also called: POLYPOSIS, ADENOMATOUS INTESTINAL; FAMILIAL ADENOMATOUS POLYPOSIS 1, ATTENUATED. Identifiers: MedGen C2713442, MONDO:0021056, OMIM 175100. Disease mechanism: loss of function.

Allele frequency attached by ClinVar (database versions not stated): gnomAD exomes below 0.00001.
gnomAD v4.1: 1 of 1,613,972 alleles (0.000062%); highest among the groups gnomAD compares: Non-Finnish European, 0.000085%; no homozygotes.

Submissions (2):

Labcorp Genetics (formerly Invitae), Labcorp
Classification: Uncertain significance for Familial adenomatous polyposis 1. Last evaluated: 2025-05-12. Review status: criteria provided, single submitter. Criteria: Invitae Variant Classification Sherloc (09022015). Collection method: clinical testing. Allele origin: germline.
Comment: This sequence change replaces asparagine, which is neutral and polar, with histidine, which is basic and polar, at codon 2377 of the APC protein (p.Asn2377His). This variant is not present in population databases (gnomAD no frequency). This variant has not been reported in the literature in individuals affected with APC-related conditions. ClinVar contains an entry for this variant (Variation ID: 852832). Invitae Evidence Modeling of protein sequence and biophysical properties (such as structural, functional, and spatial information, amino acid conservation, physicochemical variation, residue mobility, and thermodynamic stability) indicates that this missense variant is not expected to disrupt APC protein function with a negative predictive value of 95%. In summary, the available evidence is currently insufficient to determine the role of this variant in disease. Therefore, it has been classified as a Variant of Uncertain Significance.

Ambry Genetics
Classification: Uncertain significance for Hereditary cancer-predisposing syndrome. Last evaluated: 2024-10-29. Review status: criteria provided, single submitter. Criteria: Ambry Variant Classification Scheme 2023. Collection method: clinical testing. Allele origin: germline.
Comment: The p.N2377H variant (also known as c.7129A>C), located in coding exon 15 of the APC gene, results from an A to C substitution at nucleotide position 7129. The asparagine at codon 2377 is replaced by histidine, an amino acid with similar properties. This amino acid position is well conserved in available vertebrate species. In addition, in silico predictors for this gene do not accurately predict pathogenicity. Missense alterations in APC are not a common cause of disease (Spier I et al. Genet Med. 2024 Feb;26(2):100992). Based on the available evidence, the clinical significance of this variant remains unclear.

NM_000038.6(APC):c.7129A>C (p.Asn2377His)

Gene: APC (APC regulator of Wnt signaling pathway; plus strand). Cytogenetic location: 5q22.2.
Variant type: single nucleotide variant.
Coding change: c.7129A>C on transcript NM_000038.6 (MANE Select); coding-DNA position 7129, A replaced by C.
Protein change: p.Asn2377His; replaces asparagine 2377 with histidine.
Molecular consequence: missense variant.
Genome position (GRCh38, 1-based): chr5:112,842,723, A>C. VCF-style: chr5-112842723-A-C. GRCh37 (hg19) VCF-style: chr5-112178420-A-C.
Other names: c.7129A>C, p.Asn2377His (NM_001127510.3, NM_001354895.2); c.7075A>C, p.Asn2359His (NM_001127511.3); c.7183A>C, p.Asn2395His (NM_001354896.2); c.7159A>C, p.Asn2387His (NM_001354897.2); c.7054A>C, p.Asn2352His (NM_001354898.2); c.7045A>C, p.Asn2349His (NM_001354899.2); c.7006A>C, p.Asn2336His (NM_001354900.2); c.6952A>C, p.Asn2318His (NM_001354901.2); and 5 more; short protein forms N2217H, N2286H, N2318H, N2336H, N2359H, N2377H, N2387H, N2251H.
Identifiers: ClinVar variation 852832 (VCV000852832.12), dbSNP rs1766383417, ClinGen allele CA16036858.